The following is an entry in ClinVar:

NM_005235.3(ERBB4):c.2301T>C (p.Asp767=)

Gene: ERBB4 (erb-b2 receptor tyrosine kinase 4; minus strand). Cytogenetic location: 2q34.
Variant type: single nucleotide variant.
Coding change: c.2301T>C on transcript NM_005235.3 (MANE Select); coding-DNA position 2301, T replaced by C.
Protein change: p.Asp767=; no amino-acid change (aspartic acid 767 retained).
Molecular consequence: synonymous variant.
Genome position (GRCh38, 1-based): chr2:211,619,177, A>G on the plus strand (T>C on the coding strand, the complement: ERBB4 is on the minus strand). VCF-style: chr2-211619177-A-G. GRCh37 (hg19) VCF-style: chr2-212483902-A-G.
Other names: c.2301T>C, p.Asp767= (NM_001042599.2).
Identifiers: ClinVar variation 1947444 (VCV001947444.5), dbSNP rs2469388714, ClinGen allele CA431103666.

ClinVar aggregate classification (germline): Uncertain significance (1 of 4 stars; one submission).

Allele frequency attached by ClinVar (database versions not stated): gnomAD exomes below 0.00001.
gnomAD v4.1: 2 of 1,567,758 alleles (0.00013%); highest among the groups gnomAD compares: Non-Finnish European, 0.00018%; no homozygotes.

Submission:

Labcorp Genetics (formerly Invitae), Labcorp
Classification: Uncertain significance. Last evaluated: 2022-03-12. Review status: criteria provided, single submitter. Criteria: Invitae Variant Classification Sherloc (09022015). Collection method: clinical testing. Allele origin: germline.
Comment: In summary, the available evidence is currently insufficient to determine the role of this variant in disease. Therefore, it has been classified as a Variant of Uncertain Significance. Algorithms developed to predict the effect of sequence changes on RNA splicing suggest that this variant is not likely to affect RNA splicing. This variant has not been reported in the literature in individuals affected with ERBB4-related conditions. This variant is not present in population databases (gnomAD no frequency). This sequence change affects codon 767 of the ERBB4 mRNA. It is a 'silent' change, meaning that it does not change the encoded amino acid sequence of the ERBB4 protein. It affects a nucleotide within the consensus splice site.